The following is an entry in ClinVar:

NM_004360.5(CDH1):c.2413G>C (p.Asp805His)

Gene: CDH1 (cadherin 1; plus strand). Cytogenetic location: 16q22.1.
Variant type: single nucleotide variant.
Coding change: c.2413G>C on transcript NM_004360.5 (MANE Select); coding-DNA position 2413, G replaced by C.
Protein change: p.Asp805His; replaces aspartic acid 805 with histidine.
Molecular consequence: missense variant.
Genome position (GRCh38, 1-based): chr16:68,829,771, G>C. VCF-style: chr16-68829771-G-C. GRCh37 (hg19) VCF-style: chr16-68863674-G-C.
Other names: c.2413G>C (NM_004360.3); c.2230G>C, p.Asp744His (NM_001317184.2); c.865G>C, p.Asp289His (NM_001317185.2); c.448G>C, p.Asp150His (NM_001317186.2); short protein forms D150H, D744H, D289H, D805H.
Identifiers: ClinVar variation 1371763 (VCV001371763.7), dbSNP rs200894246, ClinGen allele CA396471264.

ClinVar aggregate classification (germline): Uncertain significance. Review status: criteria provided, multiple submitters, no conflicts (2 of 4 stars). 2 submissions from 2 submitters: Uncertain significance (2). Last evaluated 2024-06-17.

Conditions:
Hereditary cancer-predisposing syndrome. Also called: Hereditary neoplastic syndrome; Hereditary Cancer Syndrome; Neoplastic Syndromes, Hereditary; Tumor predisposition. Identifiers: Orphanet 140162, MedGen C0027672, MeSH D009386, MONDO:0015356.
Hereditary diffuse gastric adenocarcinoma (HDGC). Also called: DIFFUSE GASTRIC AND LOBULAR BREAST CANCER SYNDROME. Identifiers: Orphanet 26106, MedGen C1708349, MONDO:0007648, OMIM 137215.

Submissions (2):

Ambry Genetics
Classification: Uncertain significance for Hereditary cancer-predisposing syndrome. Last evaluated: 2024-06-17. Review status: criteria provided, single submitter. Criteria: Ambry Variant Classification Scheme 2023. Collection method: clinical testing. Allele origin: germline.
Comment: The p.D805H variant (also known as c.2413G>C), located in coding exon 15 of the CDH1 gene, results from a G to C substitution at nucleotide position 2413. The aspartic acid at codon 805 is replaced by histidine, an amino acid with similar properties. This amino acid position is well conserved in available vertebrate species. In addition, the in silico prediction for this alteration is inconclusive. Based on the available evidence, the clinical significance of this variant remains unclear.

Labcorp Genetics (formerly Invitae), Labcorp
Classification: Uncertain significance for Hereditary diffuse gastric adenocarcinoma. Last evaluated: 2021-08-02. Review status: criteria provided, single submitter. Criteria: Invitae Variant Classification Sherloc (09022015). Collection method: clinical testing. Allele origin: germline.
Comment: In summary, the available evidence is currently insufficient to determine the role of this variant in disease. Therefore, it has been classified as a Variant of Uncertain Significance. Algorithms developed to predict the effect of missense changes on protein structure and function are either unavailable or do not agree on the potential impact of this missense change (SIFT: "Deleterious"; PolyPhen-2: "Probably Damaging"; Align-GVGD: "Class C0"). This variant has not been reported in the literature in individuals affected with CDH1-related conditions. This variant is not present in population databases (ExAC no frequency). This sequence change replaces aspartic acid with histidine at codon 805 of the CDH1 protein (p.Asp805His). The aspartic acid residue is highly conserved and there is a moderate physicochemical difference between aspartic acid and histidine.